The following is an entry in ClinVar:

ClinVar aggregate classification (germline): Uncertain significance (1 of 4 stars; one submission).

Conditions:
Fanconi anemia (FA). Also called: Fanconi's anemia. Identifiers: Orphanet 84, MedGen C0015625, MeSH D005199, MONDO:0019391.

Allele frequency attached by ClinVar (database versions not stated): gnomAD 0.00001; TOPMed 0.00002.
gnomAD v4.1: 2 of 1,613,850 alleles (0.00012%); highest among the groups gnomAD compares: Non-Finnish European, 0.00017%; no homozygotes.

Submission:

Labcorp Genetics (formerly Invitae), Labcorp
Classification: Uncertain significance for Fanconi anemia. Last evaluated: 2019-10-23. Review status: criteria provided, single submitter. Criteria: Invitae Variant Classification Sherloc (09022015). Collection method: clinical testing. Allele origin: germline.
Comment: In summary, the available evidence is currently insufficient to determine the role of this variant in disease. Therefore, it has been classified as a Variant of Uncertain Significance. This variant disrupts the p.Arg302 amino acid residue in FANCD2. Other variant(s) that disrupt this residue have been determined to be pathogenic (PMID: 11239453, 25703294, 22720145, Invitae). This suggests that this residue is clinically significant, and that variants that disrupt this residue are likely to be disease-causing. Algorithms developed to predict the effect of missense changes on protein structure and function are either unavailable or do not agree on the potential impact of this missense change (SIFT: "Deleterious"; PolyPhen-2: "Probably Damaging"; Align-GVGD: "Class C0"). This variant has not been reported in the literature in individuals with FANCD2-related conditions. This variant is not present in population databases (ExAC no frequency). This sequence change replaces arginine with proline at codon 302 of the FANCD2 protein (p.Arg302Pro). The arginine residue is highly conserved and there is a moderate physicochemical difference between arginine and proline.

Literature cited by the submitters: PubMed 11239453; PubMed 25703294; PubMed 22720145.

NM_001018115.3(FANCD2):c.905G>C (p.Arg302Pro)

Genes: FANCD2 (FA complementation group D2; plus strand), LOC107303338 (3p25 FANCD2 Alu-mediated recombination region; plus strand). Cytogenetic location: 3p25.3.
Variant type: single nucleotide variant.
Coding change: c.905G>C on transcript NM_001018115.3 (MANE Select); coding-DNA position 905, G replaced by C.
Protein change: p.Arg302Pro; replaces arginine 302 with proline.
Molecular consequence: missense variant.
Genome position (GRCh38, 1-based): chr3:10,043,066, G>C. VCF-style: chr3-10043066-G-C. GRCh37 (hg19) VCF-style: chr3-10084750-G-C.
Other names: c.905G>C, p.Arg302Pro (NM_001319984.2, NM_001374253.1, NM_001374254.1 and 1 more transcripts); short protein forms R302P.
Identifiers: ClinVar variation 969615 (VCV000969615.9), dbSNP rs755797932, ClinGen allele CA70027132.
Genomic context (GRCh38, chr3:10,043,066, plus strand): 5'-CTATGAATGAGCAGAAAACCATAGCTAATATTTACTTTCTGCAGGTAATTTCTGAGCTTC[G>C]GGAGAAGTTGGATCTGCAGCATTGTGTTTTGCCATCACGGTTACAGGCTTCCCAAGTAAA-3'
Protein context (NP_001018125.1, residues 292-312): MDTLEVISEL[Arg302Pro]EKLDLQHCVL